The following is an entry in ClinVar:

NM_006073.4(TRDN):c.2122C>T (p.Pro708Ser)

Gene: TRDN (triadin; minus strand). Cytogenetic location: 6q22.31.
Variant type: single nucleotide variant.
Coding change: c.2122C>T on transcript NM_006073.4 (MANE Select); coding-DNA position 2122, C replaced by T.
Protein change: p.Pro708Ser; replaces proline 708 with serine.
Molecular consequence: missense variant.
Genome position (GRCh38, 1-based): chr6:123,218,669, G>A on the plus strand (C>T on the coding strand, the complement: TRDN is on the minus strand). VCF-style: chr6-123218669-G-A. GRCh37 (hg19) VCF-style: chr6-123539814-G-A.
Other names: c.2122C>T (NM_006073.2); short protein forms P708S.
Identifiers: ClinVar variation 426276 (VCV000426276.6), dbSNP rs751278695, ClinGen allele CA3983591.

ClinVar aggregate classification (germline): Uncertain significance. Review status: criteria provided, multiple submitters, no conflicts (2 of 4 stars). 3 submissions from 3 submitters: Uncertain significance (3). Last evaluated 2025-07-28.

Conditions:
Cardiovascular phenotype. Identifiers: MedGen CN230736.
Catecholaminergic polymorphic ventricular tachycardia 1. Also called: RYR2-Related Catecholaminergic Polymorphic Ventricular Tachycardia; VENTRICULAR TACHYCARDIA, STRESS-INDUCED POLYMORPHIC 1; VENTRICULAR TACHYCARDIA, CATECHOLAMINERGIC POLYMORPHIC, 1, WITH OR WITHOUT ATRIAL DYSFUNCTION AND/OR DILATED CARDIOMYOPATHY. Identifiers: Orphanet 3286, MedGen C1631597, MONDO:0011484, OMIM 604772.

Allele frequency attached by ClinVar (database versions not stated): TOPMed below 0.00001; ExAC 0.00001; gnomAD 0.00001; gnomAD exomes 0.00001 and 0.00002.
gnomAD v4.1: 7 of 1,608,476 alleles (0.00044%); highest among the groups gnomAD compares: Admixed American, 0.0067%; no homozygotes.

Submissions (3):

Ambry Genetics
Classification: Uncertain significance for Cardiovascular phenotype. Last evaluated: 2025-07-28. Review status: criteria provided, single submitter. Criteria: Ambry Variant Classification Scheme 2023. Collection method: clinical testing. Allele origin: germline.
Comment: The p.P708S variant (also known as c.2122C>T), located in coding exon 41 of the TRDN gene, results from a C to T substitution at nucleotide position 2122. The proline at codon 708 is replaced by serine, an amino acid with similar properties. This amino acid position is conserved. In addition, this alteration is predicted to be tolerated by in silico analysis. Based on the available evidence, the clinical significance of this variant remains unclear.

Labcorp Genetics (formerly Invitae), Labcorp
Classification: Uncertain significance for Catecholaminergic polymorphic ventricular tachycardia 1. Last evaluated: 2022-07-30. Review status: criteria provided, single submitter. Criteria: Invitae Variant Classification Sherloc (09022015). Collection method: clinical testing. Allele origin: germline.
Comment: This sequence change replaces proline, which is neutral and non-polar, with serine, which is neutral and polar, at codon 708 of the TRDN protein (p.Pro708Ser). This variant is present in population databases (rs751278695, gnomAD 0.01%). This variant has not been reported in the literature in individuals affected with TRDN-related conditions. ClinVar contains an entry for this variant (Variation ID: 426276). Algorithms developed to predict the effect of missense changes on protein structure and function are either unavailable or do not agree on the potential impact of this missense change (SIFT: "Deleterious"; PolyPhen-2: "Probably Damaging"; Align-GVGD: "Class C0"). In summary, the available evidence is currently insufficient to determine the role of this variant in disease. Therefore, it has been classified as a Variant of Uncertain Significance.

GeneDx
Classification: Uncertain significance. Last evaluated: 2019-01-16. Review status: criteria provided, single submitter. Criteria: GeneDx Variant Classification (06012015). Collection method: clinical testing. Allele origin: germline. Affected: yes.
Comment: The P708S variant of uncertain significance in the TRDN gene has not been published as pathogenic or been reported as benign to our knowledge. This variant is not observed at a significant frequency in large population cohorts (Lek et al., 2016; 1000 Genomes Consortium et al., 2015; Exome Variant Server). The P708S variant is a non-conservative amino acid substitution, which is likely to impact secondary protein structure as these residues differ in polarity, charge, size and/or other properties. This substitution occurs at a position that is conserved in mammals. However, in silico analysis is inconsistent in its predictions as to whether or not the variant is damaging to the protein structure/function.